The following is an entry in ClinVar:

NM_001386298.1(CIC):c.3647C>T (p.Ala1216Val)

Gene: CIC (capicua transcriptional repressor; plus strand). Cytogenetic location: 19q13.2.
Variant type: single nucleotide variant.
Coding change: c.3647C>T on transcript NM_001386298.1 (MANE Select); coding-DNA position 3647, C replaced by T.
Protein change: p.Ala1216Val; replaces alanine 1216 with valine.
Molecular consequence: missense variant.
Genome position (GRCh38, 1-based): chr19:42,287,964, C>T. VCF-style: chr19-42287964-C-T. GRCh37 (hg19) VCF-style: chr19-42792116-C-T.
Other names: c.3647C>T, p.Ala1216Val (NM_001304815.2, NM_001379480.1, NM_001379482.1 and 1 more transcripts); c.920C>T, p.Ala307Val (NM_001379484.1, NM_001379485.1, NM_015125.5); short protein forms A1216V, A307V.
Identifiers: ClinVar variation 2429544 (VCV002429544.1), dbSNP rs2513850081, ClinGen allele CA406099966.

ClinVar aggregate classification (germline): Uncertain significance (1 of 4 stars; one submission).

Allele frequency attached by ClinVar (database versions not stated): gnomAD exomes below 0.00001.
gnomAD v4.1: 3 of 1,594,358 alleles (0.00019%); highest among the groups gnomAD compares: Non-Finnish European, 0.00017%; no homozygotes.

Submission:

GeneDx
Classification: Uncertain significance. Last evaluated: 2022-08-08. Review status: criteria provided, single submitter. Criteria: GeneDx Variant Classification Process June 2021. Collection method: clinical testing. Allele origin: germline. Affected: yes.
Comment: Not observed at significant frequency in large population cohorts (gnomAD); In silico analysis supports that this missense variant does not alter protein structure/function; Has not been previously published as pathogenic or benign to our knowledge